The following is an entry in ClinVar:

ClinVar aggregate classification (germline): Uncertain significance (1 of 4 stars; one submission).

Submission:

Labcorp Genetics (formerly Invitae), Labcorp
Classification: Uncertain significance. Last evaluated: 2024-09-23. Review status: criteria provided, single submitter. Criteria: Invitae Variant Classification Sherloc (09022015). Collection method: clinical testing. Allele origin: germline.
Comment: This sequence change replaces proline, which is neutral and non-polar, with leucine, which is neutral and non-polar, at codon 292 of the ACOX2 protein (p.Pro292Leu). This variant is not present in population databases (gnomAD no frequency). This variant has not been reported in the literature in individuals affected with ACOX2-related conditions. Invitae Evidence Modeling of protein sequence and biophysical properties (such as structural, functional, and spatial information, amino acid conservation, physicochemical variation, residue mobility, and thermodynamic stability) indicates that this missense variant is not expected to disrupt ACOX2 protein function with a negative predictive value of 80%. In summary, the available evidence is currently insufficient to determine the role of this variant in disease. Therefore, it has been classified as a Variant of Uncertain Significance.

NM_003500.4(ACOX2):c.875C>T (p.Pro292Leu)

Gene: ACOX2 (acyl-CoA oxidase 2; minus strand). Cytogenetic location: 3p14.3.
Variant type: single nucleotide variant.
Coding change: c.875C>T on transcript NM_003500.4 (MANE Select); coding-DNA position 875, C replaced by T.
Protein change: p.Pro292Leu; replaces proline 292 with leucine.
Molecular consequence: missense variant.
Genome position (GRCh38, 1-based): chr3:58,530,583, G>A on the plus strand (C>T on the coding strand, the complement: ACOX2 is on the minus strand). VCF-style: chr3-58530583-G-A. GRCh37 (hg19) VCF-style: chr3-58516310-G-A.
Other names: short protein forms P292L.
Identifiers: ClinVar variation 3709156 (VCV003709156.2).